The following is an entry in ClinVar:

NM_007194.4(CHEK2):c.320-3C>A

Gene: CHEK2 (checkpoint kinase 2; minus strand). Cytogenetic location: 22q12.1.
Variant type: single nucleotide variant.
Coding change: c.320-3C>A on transcript NM_007194.4 (MANE Select); 3 bases into the intron before coding-DNA position 320, C replaced by A.
Molecular consequence: intron variant.
Genome position (GRCh38, 1-based): chr22:28,725,370, G>T on the plus strand (C>A on the coding strand, the complement: CHEK2 is on the minus strand). VCF-style: chr22-28725370-G-T. GRCh37 (hg19) VCF-style: chr22-29121358-G-T.
Other names: c.-344-3C>A (NM_001437942.1); c.320-3C>A (NM_001349956.3, NM_145862.3); c.-458-3C>A (NM_001257387.3); c.413-3C>A (NM_001438295.1, NM_001438293.1); c.449-3C>A (NM_001438294.1, NM_001005735.3).
Identifiers: ClinVar variation 216645 (VCV000216645.15), dbSNP rs863224749, ClinGen allele CA335705.

ClinVar aggregate classification (germline): Uncertain significance. Review status: criteria provided, multiple submitters, no conflicts (2 of 4 stars). 2 submissions from 2 submitters: Uncertain significance (2). Last evaluated 2026-02-11.

Conditions:
Hereditary cancer-predisposing syndrome. Also called: Tumor predisposition; Hereditary neoplastic syndrome; Hereditary Cancer Syndrome; Neoplastic Syndromes, Hereditary. Identifiers: Orphanet 140162, MedGen C0027672, MeSH D009386, MONDO:0015356.
Familial cancer of breast. Also called: BREAST CANCER, FAMILIAL; hereditary breast carcinoma; Hereditary breast cancer. Identifiers: Orphanet 227535, MedGen C0346153, MONDO:0016419, OMIM 114480. Disease mechanism: loss of function.

Submissions (2):

Ambry Genetics
Classification: Uncertain significance for Hereditary cancer-predisposing syndrome. Last evaluated: 2026-02-11. Review status: criteria provided, single submitter. Criteria: Ambry Variant Classification Scheme 2023. Collection method: clinical testing. Allele origin: germline.
Comment: The c.320-3C>A intronic variant results from a C to A substitution 3 nucleotides upstream from coding exon 2 in the CHEK2 gene. This nucleotide position is well conserved in available vertebrate species. In silico splice site analysis for this alteration is inconclusive. Based on the available evidence, the clinical significance of this variant remains unclear.

Labcorp Genetics (formerly Invitae), Labcorp
Classification: Uncertain significance for Familial cancer of breast. Last evaluated: 2023-11-17. Review status: criteria provided, single submitter. Criteria: Invitae Variant Classification Sherloc (09022015). Collection method: clinical testing. Allele origin: germline.
Comment: This sequence change falls in intron 2 of the CHEK2 gene. It does not directly change the encoded amino acid sequence of the CHEK2 protein. It affects a nucleotide within the consensus splice site. This variant is not present in population databases (gnomAD no frequency). This variant has not been reported in the literature in individuals affected with CHEK2-related conditions. ClinVar contains an entry for this variant (Variation ID: 216645). Variants that disrupt the consensus splice site are a relatively common cause of aberrant splicing (PMID: 17576681, 9536098). Studies have shown that this variant is associated with inconclusive levels of altered splicing (Invitae). In summary, the available evidence is currently insufficient to determine the role of this variant in disease. Therefore, it has been classified as a Variant of Uncertain Significance.

Literature cited by the submitters: PubMed 17576681 (cited by Labcorp Genetics (formerly Invitae), Labcorp); PubMed 9536098 (cited by Labcorp Genetics (formerly Invitae), Labcorp).